The following is an entry in ClinVar:

ClinVar aggregate classification (germline): Benign/Likely benign. Review status: criteria provided, multiple submitters, no conflicts (2 of 4 stars). 10 submissions from 10 submitters: Benign (5); Likely benign (4). 1 of the submissions does not count toward it. Last evaluated 2026-02-02.

Conditions:
CRPPA-related disorder.
Congenital Muscular Dystrophy, alpha-dystroglycan related.
Autosomal recessive limb-girdle muscular dystrophy type 2U. Also called: MUSCULAR DYSTROPHY, LIMB-GIRDLE, TYPE 2U; Muscular dystrophy-dystroglycanopathy (limb-girdle), type c, 7. Identifiers: Orphanet 352479, MedGen C5190987, MONDO:0014474, OMIM 616052.
Muscular dystrophy-dystroglycanopathy (congenital with brain and eye anomalies), type A, 7. Also called: WALKER-WARBURG SYNDROME OR MUSCLE-EYE-BRAIN DISEASE, ISPD-RELATED; Congenital muscular dystrophy-dystroglycanopathy with brain and eye anomalies, type A7. Identifiers: Orphanet 899, MedGen C3553330, MONDO:0013835, OMIM 614643.

Allele frequency attached by ClinVar (database versions not stated): ExAC below 0.00001; 1000 Genomes Project 0.00679; gnomAD 0.00691 and 0.00734; TOPMed 0.00765.
gnomAD v4.1: 1,696 of 1,270,768 alleles (0.13%); highest among the groups gnomAD compares: African/African-American, 2.4%; 22 homozygotes.

Submissions (10):

Labcorp Genetics (formerly Invitae), Labcorp
Classification: Benign for Muscular dystrophy-dystroglycanopathy (congenital with brain and eye anomalies), type A, 7; Autosomal recessive limb-girdle muscular dystrophy type 2U. Last evaluated: 2026-02-02. Review status: criteria provided, single submitter. Criteria: Invitae Variant Classification Sherloc (09022015). Collection method: clinical testing. Allele origin: germline.

Athena Diagnostics
Classification: Benign. Last evaluated: 2025-03-13. Review status: criteria provided, single submitter. Criteria: Athena Diagnostics Criteria. Collection method: clinical testing. Allele origin: unknown.
Comment: The frequency of this variant in the general population is higher than would generally be expected for pathogenic variants in this gene. Computational tools predict this amino acid change may be benign.

Blueprint Genetics
Classification: Likely benign. Last evaluated: 2024-11-26. Review status: criteria provided, single submitter. Criteria: ACMG Guidelines, 2015. Collection method: clinical testing. Allele origin: germline.

Mayo Clinic Laboratories, Mayo Clinic
Classification: Benign. Last evaluated: 2024-08-12. Review status: criteria provided, single submitter. Criteria: ACMG Guidelines, 2015. Collection method: clinical testing. Allele origin: germline. Observed: 3 variant alleles.
Comment: BA1

Genetic Services Laboratory, University of Chicago
Classification: Benign. Last evaluated: 2019-03-15. Review status: criteria provided, single submitter. Criteria: ACMG Guidelines, 2015. Collection method: clinical testing. Allele origin: germline. Affected: no.

GeneDx
Classification: Benign. Last evaluated: 2018-01-18. Review status: criteria provided, single submitter. Criteria: GeneDx Variant Classification (06012015). Collection method: clinical testing. Allele origin: germline. Affected: yes.
Comment: This variant is considered likely benign or benign based on one or more of the following criteria: it is a conservative change, it occurs at a poorly conserved position in the protein, it is predicted to be benign by multiple in silico algorithms, and/or has population frequency not consistent with disease.

Illumina Laboratory Services, Illumina
Classification: Likely benign for Congenital Muscular Dystrophy, alpha-dystroglycan related. Last evaluated: 2018-01-13. Review status: criteria provided, single submitter. Criteria: ICSL Variant Classification Criteria 13 December 2019. Collection method: clinical testing. Allele origin: germline.
Comment: This variant was observed in the ICSL laboratory as part of a predisposition screen in an ostensibly healthy population. It had not been previously curated by ICSL or reported in the Human Gene Mutation Database (HGMD: prior to June 1st, 2018), and was therefore a candidate for classification through an automated scoring system. Utilizing variant allele frequency, disease prevalence and penetrance estimates, and inheritance mode, an automated score was calculated to assess if this variant is too frequent to cause the disease. Based on the score and internal cut-off values, a variant classified as likely benign is not then subjected to further curation. The score for this variant resulted in a classification of likely benign for this disease.

Eurofins Ntd Llc (ga)
Classification: Likely benign. Last evaluated: 2015-07-15. Review status: criteria provided, single submitter. Criteria: EGL Classification Definitions 2015. Collection method: clinical testing. Allele origin: germline. Observed: 4 variant alleles, 4 heterozygotes.

Breakthrough Genomics
Classification: Likely benign. Review status: criteria provided, single submitter. Criteria: ACMG Guidelines, 2015. Collection method: not provided. Allele origin: germline. Inheritance: Autosomal recessive inheritance. Affected: yes.

PreventionGenetics, part of Exact Sciences
Classification: Benign for CRPPA-related condition. Last evaluated: 2024-04-23. Review status: no assertion criteria provided. Collection method: clinical testing. Allele origin: germline. Not counted in ClinVar's aggregate classification.
Comment: This variant is classified as benign based on ACMG/AMP sequence variant interpretation guidelines (Richards et al. 2015 PMID: 25741868, with internal and published modifications).

NM_001101426.4(CRPPA):c.32C>G (p.Pro11Arg)

Genes: CRPPA (CDP-L-ribitol pyrophosphorylase A; minus strand), LOC129998005 (ATAC-STARR-seq lymphoblastoid silent region 17982; plus strand). Cytogenetic location: 7p21.2.
Variant type: single nucleotide variant.
Coding change: c.32C>G on transcript NM_001101426.4 (MANE Select); coding-DNA position 32, C replaced by G.
Protein change: p.Pro11Arg; replaces proline 11 with arginine.
Molecular consequence: missense variant. On other transcripts: non-coding transcript variant (1).
Genome position (GRCh38, 1-based): chr7:16,421,291, G>C on the plus strand (C>G on the coding strand, the complement: CRPPA is on the minus strand). VCF-style: chr7-16421291-G-C. GRCh37 (hg19) VCF-style: chr7-16460916-G-C.
Other names: p.Pro11Arg; c.32C>G, p.Pro11Arg (NM_001101417.4, NM_001368197.1); short protein forms P11R.
Identifiers: ClinVar variation 129286 (VCV000129286.34), dbSNP rs192925278, ClinGen allele CA153189.